The following is an entry in ClinVar:

ClinVar aggregate classification (germline): Uncertain significance (1 of 4 stars; one submission).

Conditions:
Cardiovascular phenotype. Identifiers: MedGen CN230736.

Submission:

Ambry Genetics
Classification: Uncertain significance for Cardiovascular phenotype. Last evaluated: 2026-05-20. Review status: criteria provided, single submitter. Criteria: Ambry Variant Classification Scheme 2023. Collection method: clinical testing. Allele origin: germline.
Comment: The p.*53Cext*29 variant (also known as c.159A>C), located in coding exon 1 of the PLN gene, results from an A to C substitution at nucleotide position 159, which is the last nucleotide of the PLN gene. This variant disrupts the stop codon and is predicted to preserve the native sequence while resulting in the elongation of the protein by 29 amino acids. The exact functional effect of the additional amino acids is unknown. Loss of function has not been established as a mechanism of disease for the PLN gene. Based on the available evidence, the clinical significance of this variant remains unclear.

NM_002667.5(PLN):c.159A>C (p.Ter53Cys)

Genes: CEP85L (centrosomal protein 85L; minus strand), PLN (phospholamban; plus strand). Cytogenetic location: 6q22.31.
Variant type: single nucleotide variant.
Coding change: c.159A>C on transcript NM_002667.5 (MANE Select); coding-DNA position 159, A replaced by C.
Protein change: p.Ter53Cys.
Molecular consequence: stop lost. On other transcripts: intron variant (3).
Genome position (GRCh38, 1-based): chr6:118,559,080, A>C. VCF-style: chr6-118559080-A-C. GRCh37 (hg19) VCF-style: chr6-118880243-A-C.
Other names: c.1029+6449T>G (NM_001178035.2); c.1020+6449T>G (NM_001042475.3, NM_206921.3).
Identifiers: ClinVar variation 4862061 (VCV004862061.1).